The following is an entry in ClinVar:

NM_003072.5(SMARCA4):c.2251A>C (p.Asn751His)

Gene: SMARCA4 (SWI/SNF related BAF chromatin remodeling complex subunit ATPase 4; plus strand). Cytogenetic location: 19p13.2.
Variant type: single nucleotide variant.
Coding change: c.2251A>C on transcript NM_003072.5 (MANE Select); coding-DNA position 2251, A replaced by C.
Protein change: p.Asn751His; replaces asparagine 751 with histidine.
Molecular consequence: missense variant. On other transcripts: non-coding transcript variant (1).
Genome position (GRCh38, 1-based): chr19:11,010,508, A>C. VCF-style: chr19-11010508-A-C. GRCh37 (hg19) VCF-style: chr19-11121184-A-C.
Other names: c.2251A>C, p.Asn751His (NM_001128844.3, NM_001128845.2, NM_001128846.2 and 6 more transcripts); short protein forms N751H.
Identifiers: ClinVar variation 3636865 (VCV003636865.2).

ClinVar aggregate classification (germline): Uncertain significance (1 of 4 stars; one submission).

Conditions:
Rhabdoid tumor predisposition syndrome 2 (RTPS2). Identifiers: Orphanet 231108, Orphanet 69077, MedGen C2750074, MONDO:0013224, OMIM 613325.

Submission:

Labcorp Genetics (formerly Invitae), Labcorp
Classification: Uncertain significance for Rhabdoid tumor predisposition syndrome 2. Last evaluated: 2024-12-03. Review status: criteria provided, single submitter. Criteria: Invitae Variant Classification Sherloc (09022015). Collection method: clinical testing. Allele origin: germline.
Comment: This sequence change replaces asparagine, which is neutral and polar, with histidine, which is basic and polar, at codon 751 of the SMARCA4 protein (p.Asn751His). This variant is not present in population databases (gnomAD no frequency). This variant has not been reported in the literature in individuals affected with SMARCA4-related conditions. Invitae Evidence Modeling of protein sequence and biophysical properties (such as structural, functional, and spatial information, amino acid conservation, physicochemical variation, residue mobility, and thermodynamic stability) has been performed for this missense variant. However, the output from this modeling did not meet the statistical confidence thresholds required to predict the impact of this variant on SMARCA4 protein function. In summary, the available evidence is currently insufficient to determine the role of this variant in disease. Therefore, it has been classified as a Variant of Uncertain Significance.